The following is an entry in ClinVar:

NM_007294.4(BRCA1):c.212+10T>G

Gene: BRCA1 (BRCA1 DNA repair associated; minus strand). Cytogenetic location: 17q21.31.
Variant type: single nucleotide variant.
Coding change: c.212+10T>G on transcript NM_007294.4 (MANE Select); 10 bases into the intron after coding-DNA position 212, T replaced by G.
Molecular consequence: intron variant.
Genome position (GRCh38, 1-based): chr17:43,106,446, A>C on the plus strand (T>G on the coding strand, the complement: BRCA1 is on the minus strand). VCF-style: chr17-43106446-A-C. GRCh37 (hg19) VCF-style: chr17-41258463-A-C.
Other names: IVS5+10T>G; c.212+10T>G (NM_001408495.1, NM_001408448.1, NM_001408421.1 and 167 more transcripts); c.71+10T>G (NM_001407936.1, NM_001407849.1, NM_001407845.1 and 99 more transcripts); c.135-1490T>G (NM_001408413.1, NM_001407660.1, NM_001407661.1 and 21 more transcripts); c.2+32T>G (NM_001407958.1, NM_001407955.1, NM_001408493.1 and 58 more transcripts); c.-169-1490T>G (NM_001407965.1, NM_001407959.1, NM_001407962.1 and 4 more transcripts); c.-218-11586T>G (NM_001407967.1, NM_001407966.1); c.81-1490T>G (NM_001408451.1).
Identifiers: ClinVar variation 125610 (VCV000125610.27), dbSNP rs80358174, ClinGen allele CA001402.

ClinVar aggregate classification (germline): Benign/Likely benign. Review status: criteria provided, multiple submitters, no conflicts (2 of 4 stars). 6 submissions from 6 submitters: Benign (1); Likely benign (2). 3 of the submissions do not count toward it. Last evaluated 2025-11-06.

Conditions:
Hereditary breast ovarian cancer syndrome. Also called: Hereditary breast and/or ovarian cancer syndrome; Breast and ovarian cancer; Hereditary breast and ovarian cancer syndrome; Hereditary breast and ovarian cancer; Hereditary breast and ovarian cancer syndrome (HBOC); BRCA1- and BRCA2-Associated Hereditary Breast and Ovarian Cancer. Identifiers: Orphanet 145, MedGen C0677776, MeSH D061325, MONDO:0003582. Disease mechanism: loss of function.
Breast-ovarian cancer, familial, susceptibility to, 1 (BROVCA1). Also called: BRCA1 Hereditary Breast and Ovarian Cancer; OVARIAN CANCER, SUSCEPTIBILITY TO. Identifiers: Orphanet 145, MedGen C2676676, MONDO:0011450, OMIM 604370. Disease mechanism: loss of function.
Malignant tumor of breast. Also called: Malignant breast neoplasm; Cancer breast. Identifiers: MedGen C0006142, MONDO:0007254. Disease mechanism: loss of function.

Allele frequency attached by ClinVar (database versions not stated): gnomAD exomes below 0.00001.
gnomAD v4.1: 2 of 1,556,176 alleles (0.00013%); highest among the groups gnomAD compares: Admixed American, 0.0017%; no homozygotes.

Submissions (7):

Myriad Genetics, Inc.
Classification: Benign for Breast-ovarian cancer, familial, susceptibility to, 1. Last evaluated: 2025-11-06. Review status: criteria provided, single submitter. Criteria: Myriad Autosomal Dominant, Autosomal Recessive and X-Linked Classification Criteria (2023). Collection method: clinical testing. Allele origin: unknown.
Comment: This variant is considered benign. This variant is intronic and is not expected to impact mRNA splicing. This variant is strongly associated with less severe personal and family histories of cancer, typical for individuals without pathogenic variants in this gene [PMID: 25085752].

Labcorp Genetics (formerly Invitae), Labcorp
Classification: Likely benign for Hereditary breast ovarian cancer syndrome. Last evaluated: 2025-04-13. Review status: criteria provided, single submitter. Criteria: Invitae Variant Classification Sherloc (09022015). Collection method: clinical testing. Allele origin: germline.

GeneDx
Classification: Likely benign. Last evaluated: 2016-06-22. Review status: criteria provided, single submitter. Criteria: GeneDx Variant Classification (06012015). Collection method: clinical testing. Allele origin: germline. Affected: yes.
Comment: This variant is considered likely benign or benign based on one or more of the following criteria: it is a conservative change, it occurs at a poorly conserved position in the protein, it is predicted to be benign by multiple in silico algorithms, and/or has population frequency not consistent with disease.

Research Molecular Genetics Laboratory, Women's College Hospital, University of Toronto
Classification: Uncertain significance. Last evaluated: 2014-01-31. Review status: no assertion criteria provided. Collection method: research. Allele origin: germline. Affected: yes. Study: The Canadian Open Genetics Repository (COGR). Not counted in ClinVar's aggregate classification.

Breast Cancer Information Core (BIC) (BRCA1)
Classification: Uncertain significance for Breast-ovarian cancer, familial 1. Review status: no assertion criteria provided. Collection method: clinical testing. Allele origin: germline. Affected: yes. Observed: 1 variant allele. Not counted in ClinVar's aggregate classification.

Brotman Baty Institute, University of Washington
No classification provided (evidence only). Condition: Breast-ovarian cancer, familial 1. Review status: no classification provided. Collection method: in vitro. Allele origin: not applicable. Functional consequence: functionally_normal. Not counted in ClinVar's aggregate classification.
ClinVar note: "not provided" was previously submitted as the classification for the variant. However, the classification appeared to be based only on an observation of functional data so it was converted to no classification on 2025-07-30.

Department of Pathology and Laboratory Medicine, Sinai Health System
Classification: Uncertain significance for Malignant tumor of breast. Review status: no assertion criteria provided. Collection method: clinical testing. Allele origin: unknown. Affected: yes. Study: The Canadian Open Genetics Repository (COGR). Not counted in ClinVar's aggregate classification.
Comment: The c.212+10T>G variant was not identified in the literature. The variant was identified in dbSNP (ID: rs80358174) â€šÃ„ÃºWith likely benign alleleâ€šÃ„Ã¹ and â€šÃ„ÃºWith uncertain significance alleleâ€šÃ„Ã¹, the ClinVar database (classified as an â€šÃ„Ãºuncertain significanceâ€šÃ„Ã¹ variant by the BIC), GeneInsight VariantWire database (2X, classified as â€šÃ„Ãºunknown significanceâ€šÃ„Ã¹ and â€šÃ„ÃºIARC Class 3â€šÃ„Ã¹ by a clinical laboratory), the BIC database (1X with â€šÃ„Ãºunknownâ€šÃ„Ã¹ clinical importance), and UMD (1X as a 3-UV variant). The variant occurs outside of the splicing consensus sequence and 2 of 5 in silico or computational prediction software programs (SpliceSiteFinder, MaxEntScan, NNSPLICE, GeneSplicer, HumanSpliceFinder) predict a greater than 10% difference in splicing; this is not very predictive of pathogenicity. In summary, based on the above information, the clinical significance of this variant cannot be determined with certainty at this time. This variant is classified as a variant of unknown significance.

Literature cited by the submitters: PubMed 25085752 (cited by Myriad Genetics, Inc.).